The following is an entry in ClinVar:

ClinVar aggregate classification (germline): Uncertain significance (1 of 4 stars; one submission).

gnomAD v4.1: 2 of 1,612,486 alleles (0.00012%); highest among the groups gnomAD compares: South Asian, 0.0011%; no homozygotes.

Submission:

Labcorp Genetics (formerly Invitae), Labcorp
Classification: Uncertain significance. Last evaluated: 2024-03-08. Review status: criteria provided, single submitter. Criteria: Invitae Variant Classification Sherloc (09022015). Collection method: clinical testing. Allele origin: germline.
Comment: This sequence change replaces alanine, which is neutral and non-polar, with serine, which is neutral and polar, at codon 104 of the SEPT9 protein (p.Ala104Ser). The frequency data for this variant in the population databases is considered unreliable, as metrics indicate poor data quality at this position in the gnomAD database. This variant has not been reported in the literature in individuals affected with SEPT9-related conditions. Advanced modeling of protein sequence and biophysical properties (such as structural, functional, and spatial information, amino acid conservation, physicochemical variation, residue mobility, and thermodynamic stability) performed at Invitae indicates that this missense variant is not expected to disrupt SEPT9 protein function with a negative predictive value of 80%. In summary, the available evidence is currently insufficient to determine the role of this variant in disease. Therefore, it has been classified as a Variant of Uncertain Significance.

NM_001113491.2(SEPTIN9):c.364G>T (p.Ala122Ser)

Gene: SEPTIN9 (septin 9; plus strand). Cytogenetic location: 17q25.3.
Variant type: single nucleotide variant.
Coding change: c.364G>T on transcript NM_001113491.2 (MANE Select); coding-DNA position 364, G replaced by T.
Protein change: p.Ala122Ser; replaces alanine 122 with serine.
Molecular consequence: missense variant. On other transcripts: 5 prime UTR variant (2).
Genome position (GRCh38, 1-based): chr17:77,402,346, G>T. VCF-style: chr17-77402346-G-T. GRCh37 (hg19) VCF-style: chr17-75398428-G-T.
Other names: c.-129G>T (NM_001113492.2, NM_001113494.1); c.343G>T, p.Ala115Ser (NM_001113493.2); c.307G>T, p.Ala103Ser (NM_001293695.2); c.310G>T, p.Ala104Ser (NM_006640.5); short protein forms A103S, A104S, A115S, A122S.
Identifiers: ClinVar variation 3622721 (VCV003622721.2).